The following is an entry in ClinVar:

ClinVar aggregate classification (germline): Uncertain significance (3 of 4 stars; one submission).

Conditions:
Malignant hyperthermia, susceptibility to, 1 (MHS1). Also called: RYR1-Related Malignant Hyperthermia Susceptibility; Anesthesia related hyperthermia; Malignant hyperpyrexia; Fulminating hyperpyrexia; Pharmacogenic myopathy; Malignant hyperthermia suceptibility 1. Identifiers: Orphanet 423, MedGen C2930980, MONDO:0007783, OMIM 145600.

Submission:

ClinGen Malignant Hyperthermia Susceptibility Variant Curation Expert Panel, ClinGen
Classification: Uncertain significance for Malignant hyperthermia, susceptibility to, 1. Last evaluated: 2025-08-01. Review status: reviewed by expert panel. Criteria: ClinGen MHS ACMG Specifications V2. Collection method: curation. Allele origin: germline. Inheritance: Autosomal dominant inheritance.
Comment: This pathogenicity assessment is relevant only for malignant hyperthermia susceptibility (MHS) inherited in an autosomal dominant pattern. Variants in RYR1 can also cause other myopathies inherited in an autosomal dominant pattern or in an autosomal recessive pattern. Some of these disorders may predispose individuals to malignant hyperthermia. RYR1 variants may also contribute to a malignant hyperthermia reaction in combination with other genetic and non-genetic factors and the clinician needs to consider such factors in making management decisions. This sequence variant predicts a substitution of alanine with valine at codon 4128 of the RYR1 protein, p.(Ala4128Val). This variant was not present in a large population database (gnomAD) at the time this variant was interpreted. This variant has been reported in an individual with a personal or family history of an MH episode and a positive in vitro contracture test (IVCT) or caffeine halothane contracture test (CHCT) result (if the proband was unavailable for testing, a positive diagnostic test result in a mutation-positive relative was counted), PS4_Supporting (PMID:30236257). No functional studies were identified for this variant. This variant does not reside in a hotspot for pathogenic variants that contribute to MHS. A REVEL score <0.5 (0.248) supports a benign status for this variant, BP4. This variant has been classified as a Variant of Unknown Significance. Criteria implemented: PS4_Supporting, BP4.

NM_000540.3(RYR1):c.12383C>T (p.Ala4128Val)

Gene: RYR1 (ryanodine receptor 1; plus strand). Cytogenetic location: 19q13.2.
Variant type: single nucleotide variant.
Coding change: c.12383C>T on transcript NM_000540.3 (MANE Select); coding-DNA position 12383, C replaced by T.
Protein change: p.Ala4128Val; replaces alanine 4128 with valine.
Molecular consequence: missense variant.
Genome position (GRCh38, 1-based): chr19:38,561,213, C>T. VCF-style: chr19-38561213-C-T. GRCh37 (hg19) VCF-style: chr19-39051853-C-T.
Other names: c.12368C>T, p.Ala4123Val (NM_001042723.2); short protein forms A4123V, A4128V.
Identifiers: ClinVar variation 1210311 (VCV001210311.3), dbSNP rs2145830877, ClinGen allele CA405668522.
Genomic context (GRCh38, chr19:38,561,213, plus strand): 5'-AGTTCCTGCTTTCGTGCTCCGAAGCGGATGAGAACGAAATGATCAACTGCGAAGAGTTCG[C>T]CAACCGCTTCCAGGAGCCAGCACGCGACATCGGCTTCAACGTGGCGGTGCTGCTGACCAA-3'
Protein context (NP_000531.2, residues 4118-4138): ENEMINCEEF[Ala4128Val]NRFQEPARDI